The following is an entry in ClinVar:

ClinVar aggregate classification (germline): Likely benign. Review status: criteria provided, single submitter (1 of 4 stars). 2 submissions from 2 submitters: Likely benign (1). 1 of the submissions does not count toward it. Last evaluated 2026-09-01.

Conditions:
ZNF407-related disorder. Also called: ZNF407-related condition.

Allele frequency attached by ClinVar (database versions not stated): TOPMed 0.00378; gnomAD 0.00383; ESP Exome Variant Server 0.00438; ExAC 0.00461; 1000 Genomes Project 30x 0.00156; 1000 Genomes Project 0.00160.
gnomAD v4.1: 8,379 of 1,551,776 alleles (0.54%); highest among the groups gnomAD compares: Middle Eastern, 0.97%; 39 homozygotes.

Submissions (2):

CeGaT Center for Human Genetics Tuebingen
Classification: Likely benign. Last evaluated: 2026-09-01. Review status: criteria provided, single submitter. Criteria: CeGaT Center For Human Genetics Tuebingen Variant Classification Criteria Version 2. Collection method: clinical testing. Allele origin: germline. Affected: yes. Observed: 16 variant alleles.
Comment: ZNF407: BP4, BP7, BS2

PreventionGenetics, part of Exact Sciences
Classification: Likely benign for ZNF407-related condition. Last evaluated: 2020-01-28. Review status: no assertion criteria provided. Collection method: clinical testing. Allele origin: germline. Not counted in ClinVar's aggregate classification.
Comment: This variant is classified as likely benign based on ACMG/AMP sequence variant interpretation guidelines (Richards et al. 2015 PMID: 25741868, with internal and published modifications).

NM_017757.3(ZNF407):c.4877+22492G>A

Gene: ZNF407 (zinc finger protein 407; plus strand). Cytogenetic location: 18q22.3.
Variant type: single nucleotide variant.
Coding change: c.4877+22492G>A on transcript NM_017757.3 (MANE Select); 22492 bases into the intron after coding-DNA position 4877, G replaced by A.
Molecular consequence: intron variant. On other transcripts: synonymous variant (1).
Genome position (GRCh38, 1-based): chr18:74,803,994, G>A. VCF-style: chr18-74803994-G-A. GRCh37 (hg19) VCF-style: chr18-72515950-G-A.
Other names: c.4908G>A, p.Thr1636= (NM_001146190.1); c.4877+22492G>A (NM_001384475.1, NM_001146189.1).
Identifiers: ClinVar variation 2648808 (VCV002648808.25), dbSNP rs143651062, ClinGen allele CA9000961.